The following is an entry in ClinVar:

NM_144687.4(NLRP12):c.1742G>A (p.Trp581Ter)

Gene: NLRP12 (NLR family pyrin domain containing 12; minus strand). Cytogenetic location: 19q13.42.
Variant type: single nucleotide variant.
Coding change: c.1742G>A on transcript NM_144687.4 (MANE Select); coding-DNA position 1742, G replaced by A.
Protein change: p.Trp581Ter; replaces tryptophan 581 with a stop codon.
Molecular consequence: nonsense.
Genome position (GRCh38, 1-based): chr19:53,809,917, C>T on the plus strand (G>A on the coding strand, the complement: NLRP12 is on the minus strand). VCF-style: chr19-53809917-C-T. GRCh37 (hg19) VCF-style: chr19-54313171-C-T.
Other names: c.1742G>A, p.Trp581Ter (NM_001277126.2, NM_001277129.1); short protein forms W581*.
Identifiers: ClinVar variation 1444965 (VCV001444965.5), dbSNP rs569593868, ClinGen allele CA9639359.

ClinVar aggregate classification (germline): Uncertain significance (1 of 4 stars; one submission).

Conditions:
Familial cold autoinflammatory syndrome 2 (FCAS2). Identifiers: Orphanet 247868, MedGen C2673198, MONDO:0012724, OMIM 611762.

Allele frequency attached by ClinVar (database versions not stated): gnomAD exomes below 0.00001; ExAC 0.00001; gnomAD 0.00001; TOPMed 0.00001.
gnomAD v4.1: 6 of 1,614,070 alleles (0.00037%); highest among the groups gnomAD compares: East Asian, 0.011%; no homozygotes.

Submission:

Labcorp Genetics (formerly Invitae), Labcorp
Classification: Uncertain significance for Familial cold autoinflammatory syndrome 2. Last evaluated: 2024-11-18. Review status: criteria provided, single submitter. Criteria: Invitae Variant Classification Sherloc (09022015). Collection method: clinical testing. Allele origin: germline.
Comment: This sequence change creates a premature translational stop signal (p.Trp581*) in the NLRP12 gene. It is expected to result in an absent or disrupted protein product. However, the current clinical and genetic evidence is not sufficient to establish whether loss-of-function variants in NLRP12 cause disease. This variant is present in population databases (rs569593868, gnomAD 0.006%). This premature translational stop signal has been observed in individual(s) with clinical features of autoinflammatory disease (PMID: 31155445, 31820221, 34298581). ClinVar contains an entry for this variant (Variation ID: 1444965). In summary, the available evidence is currently insufficient to determine the role of this variant in disease. Therefore, it has been classified as a Variant of Uncertain Significance.

Literature cited by the submitters: PubMed 31155445; PubMed 31820221; PubMed 34298581.